The following is an entry in ClinVar:

NM_001184.4(ATR):c.7300C>G (p.Pro2434Ala)

Gene: ATR (ATR checkpoint kinase; minus strand). Cytogenetic location: 3q23.
Variant type: single nucleotide variant.
Coding change: c.7300C>G on transcript NM_001184.4 (MANE Select); coding-DNA position 7300, C replaced by G.
Protein change: p.Pro2434Ala; replaces proline 2434 with alanine.
Molecular consequence: missense variant.
Genome position (GRCh38, 1-based): chr3:142,459,276, G>C on the plus strand (C>G on the coding strand, the complement: ATR is on the minus strand). VCF-style: chr3-142459276-G-C. GRCh37 (hg19) VCF-style: chr3-142178118-G-C.
Other names: c.7108C>G, p.Pro2370Ala (NM_001354579.2); short protein forms P2434A, P2370A.
Identifiers: ClinVar variation 158003 (VCV000158003.30), dbSNP rs33972295, ClinGen allele CA171380.

ClinVar aggregate classification (germline): Benign/Likely benign. Review status: criteria provided, multiple submitters, no conflicts (2 of 4 stars). 11 submissions from 10 submitters: Benign (10); Likely benign (1). Last evaluated 2026-02-03.

Conditions:
Familial cutaneous telangiectasia and oropharyngeal predisposition cancer syndrome. Identifiers: Orphanet 313846, MedGen C3281203, MONDO:0013806, OMIM 614564.
Seckel syndrome 1 (SCKL1). Also called: MICROCEPHALIC PRIMORDIAL DWARFISM I. Identifiers: Orphanet 808, MedGen C4551474, MONDO:0008869, OMIM 210600.

Allele frequency attached by ClinVar (database versions not stated): gnomAD exomes 0.00122 and 0.00322; ExAC 0.00382; gnomAD 0.01174 and 0.01261; 1000 Genomes Project 0.01258; ESP Exome Variant Server 0.01315; TOPMed 0.01386; 1000 Genomes Project 30x 0.01437.
gnomAD v4.1: 3,631 of 1,613,982 alleles (0.22%); highest among the groups gnomAD compares: African/African-American, 4.2%; 63 homozygotes.

Submissions (11):

Labcorp Genetics (formerly Invitae), Labcorp
Classification: Benign. Last evaluated: 2026-02-03. Review status: criteria provided, single submitter. Criteria: Invitae Variant Classification Sherloc (09022015). Collection method: clinical testing. Allele origin: germline.

CeGaT Center for Human Genetics Tuebingen
Classification: Benign. Last evaluated: 2025-10-01. Review status: criteria provided, single submitter. Criteria: CeGaT Center For Human Genetics Tuebingen Variant Classification Criteria Version 2. Collection method: clinical testing. Allele origin: germline. Affected: yes. Observed: 1 variant allele.
Comment: ATR: BS1, BS2

Blueprint Genetics
Classification: Likely benign. Last evaluated: 2024-11-26. Review status: criteria provided, single submitter. Criteria: ACMG Guidelines, 2015. Collection method: clinical testing. Allele origin: germline.

KCCC/NGS Laboratory, Kuwait Cancer Control Center
Classification: Benign for Familial cutaneous telangiectasia and oropharyngeal predisposition cancer syndrome. Last evaluated: 2023-07-07. Review status: criteria provided, single submitter. Criteria: ACMG Guidelines, 2015. Collection method: clinical testing. Allele origin: germline. Affected: yes.

Genome-Nilou Lab
Classification: Benign for Seckel syndrome 1. Last evaluated: 2023-02-08. Review status: criteria provided, single submitter. Criteria: ACMG Guidelines, 2015. Collection method: clinical testing. Allele origin: germline.

Genome-Nilou Lab
Classification: Benign for Familial cutaneous telangiectasia and oropharyngeal predisposition cancer syndrome. Last evaluated: 2023-02-08. Review status: criteria provided, single submitter. Criteria: ACMG Guidelines, 2015. Collection method: clinical testing. Allele origin: germline.

Illumina Laboratory Services, Illumina
Classification: Benign for Seckel syndrome 1. Last evaluated: 2018-01-13. Review status: criteria provided, single submitter. Criteria: ICSL Variant Classification Criteria 13 December 2019. Collection method: clinical testing. Allele origin: germline.
Comment: This variant was observed in the ICSL laboratory as part of a predisposition screen in an ostensibly healthy population. It had not been previously curated by ICSL or reported in the Human Gene Mutation Database (HGMD: prior to June 1st, 2018), and was therefore a candidate for classification through an automated scoring system. Utilizing variant allele frequency, disease prevalence and penetrance estimates, and inheritance mode, an automated score was calculated to assess if this variant is too frequent to cause the disease. Based on the score and internal cut-off values, a variant classified as benign is not then subjected to further curation. The score for this variant resulted in a classification of benign for this disease.

Center for Pediatric Genomic Medicine, Children's Mercy Hospital and Clinics
Classification: Benign. Last evaluated: 2017-02-27. Review status: criteria provided, single submitter. Criteria: ACMG Guidelines, 2015. Collection method: clinical testing. Allele origin: germline.

GeneDx
Classification: Benign. Last evaluated: 2015-05-04. Review status: criteria provided, single submitter. Criteria: GeneDx Variant Classification (06012015). Collection method: clinical testing. Allele origin: germline. Affected: yes.
Comment: This variant is considered likely benign or benign based on one or more of the following criteria: it is a conservative change, it occurs at a poorly conserved position in the protein, it is predicted to be benign by multiple in silico algorithms, and/or has population frequency not consistent with disease.

Genetic Services Laboratory, University of Chicago
Classification: Benign. Last evaluated: 2013-02-08. Review status: criteria provided, single submitter. Criteria: ACMG Guidelines, 2007. Collection method: clinical testing. Allele origin: germline. Inheritance: Autosomal recessive inheritance.

Breakthrough Genomics
Classification: Benign. Review status: criteria provided, single submitter. Criteria: ACMG Guidelines, 2015. Collection method: not provided. Allele origin: germline. Inheritance: Autosomal recessive inheritance. Affected: yes.